The following is an entry in ClinVar:

ClinVar aggregate classification (germline): Uncertain significance. Review status: criteria provided, multiple submitters, no conflicts (2 of 4 stars). 2 submissions from 2 submitters: Uncertain significance (2). Last evaluated 2025-12-04.

Conditions:
Inborn genetic diseases. Identifiers: MedGen C0950123, MeSH D030342.

gnomAD v4.1: 25 of 1,613,620 alleles (0.0015%); highest among the groups gnomAD compares: Admixed American, 0.04%; 1 homozygote.

Submissions (2):

Ambry Genetics
Classification: Uncertain significance for Inborn genetic diseases. Last evaluated: 2025-12-04. Review status: criteria provided, single submitter. Criteria: Ambry Variant Classification Scheme 2023. Collection method: clinical testing. Allele origin: germline.

Labcorp Genetics (formerly Invitae), Labcorp
Classification: Uncertain significance. Last evaluated: 2022-10-18. Review status: criteria provided, single submitter. Criteria: Invitae Variant Classification Sherloc (09022015). Collection method: clinical testing. Allele origin: germline.
Comment: This sequence change replaces proline, which is neutral and non-polar, with glutamine, which is neutral and polar, at codon 659 of the OBSL1 protein (p.Pro659Gln). This variant is present in population databases (rs372539462, gnomAD 0.06%), including at least one homozygous and/or hemizygous individual. This variant has not been reported in the literature in individuals affected with OBSL1-related conditions. ClinVar contains an entry for this variant (Variation ID: 1382579). Algorithms developed to predict the effect of missense changes on protein structure and function are either unavailable or do not agree on the potential impact of this missense change (SIFT: "Deleterious"; PolyPhen-2: "Probably Damaging"; Align-GVGD: "Class C0"). In summary, the available evidence is currently insufficient to determine the role of this variant in disease. Therefore, it has been classified as a Variant of Uncertain Significance.

NM_015311.3(OBSL1):c.1976C>A (p.Pro659Gln)

Gene: OBSL1 (obscurin like cytoskeletal adaptor 1; minus strand). Cytogenetic location: 2q35.
Variant type: single nucleotide variant.
Coding change: c.1976C>A on transcript NM_015311.3 (MANE Select); coding-DNA position 1976, C replaced by A.
Protein change: p.Pro659Gln; replaces proline 659 with glutamine.
Molecular consequence: missense variant.
Genome position (GRCh38, 1-based): chr2:219,566,988, G>T on the plus strand (C>A on the coding strand, the complement: OBSL1 is on the minus strand). VCF-style: chr2-219566988-G-T. GRCh37 (hg19) VCF-style: chr2-220431710-G-T.
Other names: c.1976C>A, p.Pro659Gln (NM_001173408.2, NM_001173431.2); c.1976C>A (NM_015311.2); short protein forms P659Q.
Identifiers: ClinVar variation 1382579 (VCV001382579.6), dbSNP rs372539462, ClinGen allele CA2131363.
Genomic context (GRCh38, chr2:219,566,988, plus strand): 5'-TGCTGCAGACCCTTCTGCTCTATACGGTACCGCAGGGCCCCAGGTTCCACCTGGCCCTCC[G>T]GCTCGTTACTCTTGAGCTCTTCCCCATTAAGGAACCAGGTACCCTGGATGATGGTGGAGA-3'
Protein context (NP_056126.1, residues 649-669): LNGEELKSNE[Pro659Gln]EGQVEPGALR